The following is an entry in ClinVar:

ClinVar aggregate classification (germline): Uncertain significance (1 of 4 stars; one submission).

Allele frequency attached by ClinVar (database versions not stated): gnomAD exomes below 0.00001; TOPMed below 0.00001.
gnomAD v4.1: 2 of 1,614,100 alleles (0.00012%); highest among the groups gnomAD compares: Non-Finnish European, 0.000085%; no homozygotes.

Submission:

Labcorp Genetics (formerly Invitae), Labcorp
Classification: Uncertain significance. Last evaluated: 2024-09-16. Review status: criteria provided, single submitter. Criteria: Invitae Variant Classification Sherloc (09022015). Collection method: clinical testing. Allele origin: germline.
Comment: This sequence change falls in intron 92 of the HMCN1 gene. It does not directly change the encoded amino acid sequence of the HMCN1 protein. It affects a nucleotide within the consensus splice site. This variant is not present in population databases (gnomAD no frequency). This variant has not been reported in the literature in individuals affected with HMCN1-related conditions. Variants that disrupt the consensus splice site are a relatively common cause of aberrant splicing (PMID: 17576681, 9536098). Algorithms developed to predict the effect of sequence changes on RNA splicing suggest that this variant is not likely to affect RNA splicing. In summary, the available evidence is currently insufficient to determine the role of this variant in disease. Therefore, it has been classified as a Variant of Uncertain Significance.

Literature cited by the submitters: PubMed 17576681; PubMed 9536098.

NM_031935.3(HMCN1):c.14438-3C>T

Gene: HMCN1 (hemicentin 1; plus strand). Cytogenetic location: 1q31.1.
Variant type: single nucleotide variant.
Coding change: c.14438-3C>T on transcript NM_031935.3 (MANE Select); 3 bases into the intron before coding-DNA position 14438, C replaced by T.
Molecular consequence: intron variant.
Genome position (GRCh38, 1-based): chr1:186,145,750, C>T. VCF-style: chr1-186145750-C-T. GRCh37 (hg19) VCF-style: chr1-186114882-C-T.
Identifiers: ClinVar variation 2994641 (VCV002994641.3), dbSNP rs1018623873, ClinGen allele CA33477256.